The following is an entry in ClinVar:

NM_206926.2(SELENON):c.1180-2A>C

Gene: SELENON (selenoprotein N; plus strand). Cytogenetic location: 1p36.11.
Variant type: single nucleotide variant.
Coding change: c.1180-2A>C on transcript NM_206926.2 (MANE Select); the canonical splice acceptor site of the intron before coding-DNA position 1180, A replaced by C.
Molecular consequence: splice acceptor variant.
Genome position (GRCh38, 1-based): chr1:25,812,685, A>C. VCF-style: chr1-25812685-A-C. GRCh37 (hg19) VCF-style: chr1-26139176-A-C.
Other names: c.1282-2A>C (NM_020451.3).
Identifiers: ClinVar variation 4850353 (VCV004850353.1).

ClinVar aggregate classification (germline): Likely pathogenic (1 of 4 stars; one submission).

Conditions:
Eichsfeld type congenital muscular dystrophy (CMYO3). Also called: MYOPATHY, SEPN1-RELATED; Rigid spine muscular dystrophy 1; SELENON-related myopathy; Congenital myopathy 3 with rigid spine. Identifiers: MedGen C0410180, MONDO:0100100, OMIM 602771.

gnomAD v4.1: 3 of 1,607,636 alleles (0.00019%); highest among the groups gnomAD compares: South Asian, 0.0033%; no homozygotes.

Submission:

First Genomix Gene Laboratory, Genetic Diagnostics Department
Classification: Likely pathogenic for Eichsfeld type congenital muscular dystrophy. Last evaluated: 2025-09-17. Review status: criteria provided, single submitter. Criteria: ACMG Guidelines, 2015. Collection method: clinical testing. Allele origin: germline. Inheritance: Autosomal recessive inheritance. Affected: no. Observed: 1 variant allele.